The following is an entry in ClinVar:

ClinVar aggregate classification (germline): Uncertain significance. Review status: criteria provided, multiple submitters, no conflicts (2 of 4 stars). 2 submissions from 2 submitters: Uncertain significance (2). Last evaluated 2024-10-16.

Conditions:
Myofibrillar myopathy 5. Also called: Filaminopathy (type); FILAMINOPATHY, AUTOSOMAL DOMINANT. Identifiers: Orphanet 171445, MedGen C1836050, MONDO:0012289, OMIM 609524.
Distal myopathy with posterior leg and anterior hand involvement. Also called: WILLIAMS DISTAL MYOPATHY. Identifiers: Orphanet 63273, MedGen C3279722, MONDO:0013550, OMIM 614065.
Hypertrophic cardiomyopathy 26. Also called: Cardiomyopathy, familial hypertrophic, 26. Identifiers: Orphanet 75249, MedGen C4310749, MONDO:0014883, OMIM 617047.
Dilated Cardiomyopathy, Dominant.
Cardiovascular phenotype. Identifiers: MedGen CN230736.

Allele frequency attached by ClinVar (database versions not stated): gnomAD exomes below 0.00001; TOPMed below 0.00001.
gnomAD v4.1: 5 of 1,614,074 alleles (0.00031%); highest among the groups gnomAD compares: Non-Finnish European, 0.00042%; no homozygotes.

Submissions (2):

Labcorp Genetics (formerly Invitae), Labcorp
Classification: Uncertain significance for Distal myopathy with posterior leg and anterior hand involvement; Myofibrillar myopathy 5; Hypertrophic cardiomyopathy 26. Last evaluated: 2024-10-16. Review status: criteria provided, single submitter. Criteria: Invitae Variant Classification Sherloc (09022015). Collection method: clinical testing. Allele origin: germline.
Comment: This sequence change replaces glutamic acid, which is acidic and polar, with glutamine, which is neutral and polar, at codon 386 of the FLNC protein (p.Glu386Gln). This variant is present in population databases (no rsID available, gnomAD 0.0009%). This variant has not been reported in the literature in individuals affected with FLNC-related conditions. ClinVar contains an entry for this variant (Variation ID: 1350136). Invitae Evidence Modeling of protein sequence and biophysical properties (such as structural, functional, and spatial information, amino acid conservation, physicochemical variation, residue mobility, and thermodynamic stability) has been performed for this missense variant. However, the output from this modeling did not meet the statistical confidence thresholds required to predict the impact of this variant on FLNC protein function. In summary, the available evidence is currently insufficient to determine the role of this variant in disease. Therefore, it has been classified as a Variant of Uncertain Significance.

Ambry Genetics
Classification: Uncertain significance for Cardiovascular phenotype. Last evaluated: 2023-06-17. Review status: criteria provided, single submitter. Criteria: Ambry Variant Classification Scheme 2023. Collection method: clinical testing. Allele origin: germline.
Comment: The p.E386Q variant (also known as c.1156G>C), located in coding exon 7 of the FLNC gene, results from a G to C substitution at nucleotide position 1156. The glutamic acid at codon 386 is replaced by glutamine, an amino acid with highly similar properties. This amino acid position is conserved. In addition, this alteration is predicted to be tolerated by in silico analysis. Since supporting evidence is limited at this time, the clinical significance of this alteration remains unclear.

NM_001458.5(FLNC):c.1156G>C (p.Glu386Gln)

Gene: FLNC (filamin C; plus strand). Cytogenetic location: 7q32.1.
Variant type: single nucleotide variant.
Coding change: c.1156G>C on transcript NM_001458.5 (MANE Select); coding-DNA position 1156, G replaced by C.
Protein change: p.Glu386Gln; replaces glutamic acid 386 with glutamine.
Molecular consequence: missense variant.
Genome position (GRCh38, 1-based): chr7:128,838,375, G>C. VCF-style: chr7-128838375-G-C. GRCh37 (hg19) VCF-style: chr7-128478429-G-C.
Other names: c.1156G>C, p.Glu386Gln (NM_001127487.2); c.1156G>C (NM_001458.4); short protein forms E386Q.
Identifiers: ClinVar variation 1350136 (VCV001350136.7), dbSNP rs1204536261, ClinGen allele CA369223812.